The following is an entry in ClinVar:

ClinVar aggregate classification (germline): Uncertain significance (1 of 4 stars; one submission).

Submission:

GeneDx
Classification: Uncertain significance. Last evaluated: 2025-05-19. Review status: criteria provided, single submitter. Criteria: GeneDx Variant Classification Process June 2021. Collection method: clinical testing. Allele origin: germline. Affected: yes.
Comment: Not observed at significant frequency in large population cohorts (gnomAD); In silico analysis supports that this missense variant has a deleterious effect on protein structure/function; Has not been previously published as pathogenic or benign to our knowledge; Although located in a calcium-binding EGF-like domain of the FBN2 gene, it does not substitute or introduce a cysteine residue (PMID: 19006240, 18767143); This variant is associated with the following publications: (PMID: 18767143, 19006240)

NM_001999.4(FBN2):c.7369C>T (p.Pro2457Ser)

Gene: FBN2 (fibrillin 2; minus strand). Cytogenetic location: 5q23.3.
Variant type: single nucleotide variant.
Coding change: c.7369C>T on transcript NM_001999.4 (MANE Select); coding-DNA position 7369, C replaced by T.
Protein change: p.Pro2457Ser; replaces proline 2457 with serine.
Molecular consequence: missense variant.
Genome position (GRCh38, 1-based): chr5:128,277,982, G>A on the plus strand (C>T on the coding strand, the complement: FBN2 is on the minus strand). VCF-style: chr5-128277982-G-A. GRCh37 (hg19) VCF-style: chr5-127613674-G-A.
Other names: short protein forms P2457S.
Identifiers: ClinVar variation 213359 (VCV000213359.3), dbSNP rs863223587, ClinGen allele CA324296.